The following is an entry in ClinVar:

ClinVar aggregate classification (germline): Pathogenic (1 of 4 stars; one submission).

Submission:

Labcorp Genetics (formerly Invitae), Labcorp
Classification: Pathogenic. Last evaluated: 2022-05-04. Review status: criteria provided, single submitter. Criteria: Invitae Variant Classification Sherloc (09022015). Collection method: clinical testing. Allele origin: germline.
Comment: This sequence change creates a premature translational stop signal (p.Phe88Glyfs*11) in the AQP2 gene. It is expected to result in an absent or disrupted protein product. Loss-of-function variants in AQP2 are known to be pathogenic (PMID: 9024277, 27156763). This variant is not present in population databases (gnomAD no frequency). For these reasons, this variant has been classified as Pathogenic. This variant has not been reported in the literature in individuals affected with AQP2-related conditions.

Literature cited by the submitters: PubMed 9024277; PubMed 27156763.

NM_000486.6(AQP2):c.261_283del (p.Phe88fs)

Gene: AQP2 (aquaporin 2; plus strand). Cytogenetic location: 12q13.12.
Variant type: Deletion.
Coding change: c.261_283del on transcript NM_000486.6 (MANE Select); coding-DNA positions 261 to 283, 23 bases deleted (CTTCTACGTGGCTGCCCAGCTGC).
Protein change: p.Phe88fs; shifts the reading frame from phenylalanine 88.
Molecular consequence: frameshift variant.
Genome position (GRCh38, 1-based): chr12:49,951,091-49,951,113, CTTCTACGTGGCTGCCCAGCTGC deleted; deleting any 23 consecutive bases within chr12:49,951,089-49,951,113 gives the same sequence; the c. name uses the placement nearest the transcript's 3' end. VCF-style (leftmost placement, unchanged base first): chr12-49951088-CGCCTTCTACGTGGCTGCCCAGCT-C. GRCh37 (hg19) VCF-style: chr12-50344871-CGCCTTCTACGTGGCTGCCCAGCT-C.
Other names: c.261_283del23, p.Phe88Glyfs (NM_000486.5); short protein forms F88fs.
Identifiers: ClinVar variation 2113020 (VCV002113020.5), dbSNP rs1294731623, ClinGen allele CA689626206.
Genomic context (GRCh38, chr12:49,951,088, plus strand): 5'-CATCAACCCTGCCGTGACTGTGGCCTGCCTGGTGGGCTGCCACGTCTCCGTTCTCCGAGC[CGCCTTCTACGTGGCTGCCCAGCT>C]GCTGGGGGCTGTGGCCGGAGCCGCTCTGCTCCATGAGATCACGCCAGCAGACATCCGCGG-3'